The following is an entry in ClinVar:

NM_003482.4(KMT2D):c.4132-2A>G

Gene: KMT2D (lysine methyltransferase 2D; minus strand). Cytogenetic location: 12q13.12.
Variant type: single nucleotide variant.
Coding change: c.4132-2A>G on transcript NM_003482.4 (MANE Select); the canonical splice acceptor site of the intron before coding-DNA position 4132, A replaced by G.
Molecular consequence: splice acceptor variant.
Genome position (GRCh38, 1-based): chr12:49,048,071, T>C on the plus strand (A>G on the coding strand, the complement: KMT2D is on the minus strand). VCF-style: chr12-49048071-T-C. GRCh37 (hg19) VCF-style: chr12-49441854-T-C.
Identifiers: ClinVar variation 3704429 (VCV003704429.3).
Genomic context (GRCh38, chr12:49,048,071, plus strand): 5'-CAGGCAAGGAGGTGGCCCTCTGCCCCCCGGCCAAAGCTGCCACATACCACACACATGTCC[T>C]GGGGAAACACAGAGAAACCCAAATGTCCAACTAGATCTCCCCATCCCACTCAGATCCAGT-3'

ClinVar aggregate classification (germline): Pathogenic. Review status: criteria provided, multiple submitters, no conflicts (2 of 4 stars). 2 submissions from 2 submitters: Pathogenic (2). Last evaluated 2024-12-03.

Conditions:
Kabuki syndrome. Also called: Kabuki make-up syndrome; NIIKAWA-KUROKI SYNDROME. Identifiers: Orphanet 2322, MedGen C0796004, MONDO:0016512.

Submissions (2):

Labcorp Genetics (formerly Invitae), Labcorp
Classification: Pathogenic for Kabuki syndrome. Last evaluated: 2024-12-03. Review status: criteria provided, single submitter. Criteria: Invitae Variant Classification Sherloc (09022015). Collection method: clinical testing. Allele origin: germline.
Comment: This sequence change affects an acceptor splice site in intron 13 of the KMT2D gene. It is expected to disrupt RNA splicing. Variants that disrupt the donor or acceptor splice site typically lead to a loss of protein function (PMID: 16199547), and loss-of-function variants in KMT2D are known to be pathogenic (PMID: 22126750). This variant is not present in population databases (gnomAD no frequency). Disruption of this splice site has been observed in individual(s) with Kabuki syndrome (PMID: 30107592, 32170002). Algorithms developed to predict the effect of sequence changes on RNA splicing suggest that this variant may disrupt the consensus splice site. For these reasons, this variant has been classified as Pathogenic.

GeneDx
Classification: Pathogenic. Last evaluated: 2024-09-20. Review status: criteria provided, single submitter. Criteria: GeneDx Variant Classification Process June 2021. Collection method: clinical testing. Allele origin: germline. Affected: yes.
Comment: Not observed at significant frequency in large population cohorts (gnomAD); Canonical splice site variant predicted to result in an in-frame loss of the adjacent exon in a gene for which loss of function is a known mechanism of disease; This variant is associated with the following publications: (PMID: 32170002, 30107592)

Literature cited by the submitters: PubMed 16199547 (cited by Labcorp Genetics (formerly Invitae), Labcorp); PubMed 22126750 (cited by Labcorp Genetics (formerly Invitae), Labcorp); PubMed 30107592 (cited by Labcorp Genetics (formerly Invitae), Labcorp); PubMed 32170002 (cited by Labcorp Genetics (formerly Invitae), Labcorp).